The following is an entry in ClinVar:

NM_004974.4(KCNA2):c.929A>C (p.His310Pro)

Gene: KCNA2 (potassium voltage-gated channel subfamily A member 2; minus strand). Cytogenetic location: 1p13.3.
Variant type: single nucleotide variant.
Coding change: c.929A>C on transcript NM_004974.4 (MANE Select); coding-DNA position 929, A replaced by C.
Protein change: p.His310Pro; replaces histidine 310 with proline.
Molecular consequence: missense variant. On other transcripts: intron variant (1).
Genome position (GRCh38, 1-based): chr1:110,603,854, T>G on the plus strand (A>C on the coding strand, the complement: KCNA2 is on the minus strand). VCF-style: chr1-110603854-T-G. GRCh37 (hg19) VCF-style: chr1-111146476-T-G.
Other names: c.894+35A>C (NM_001204269.2); short protein forms H310P.
Identifiers: ClinVar variation 1505535 (VCV001505535.8), dbSNP rs1649470988, ClinGen allele CA341602720.

ClinVar aggregate classification (germline): Uncertain significance (1 of 4 stars; one submission).

Conditions:
Developmental and epileptic encephalopathy, 32 (DEE32). Also called: Epileptic encephalopathy, early infantile, 32. Identifiers: Orphanet 442835, MedGen C4225350, MONDO:0014607, OMIM 616366.

Submission:

Labcorp Genetics (formerly Invitae), Labcorp
Classification: Uncertain significance for Developmental and epileptic encephalopathy, 32. Last evaluated: 2021-01-29. Review status: criteria provided, single submitter. Criteria: Invitae Variant Classification Sherloc (09022015). Collection method: clinical testing. Allele origin: germline.
Comment: In summary, the available evidence is currently insufficient to determine the role of this variant in disease. Therefore, it has been classified as a Variant of Uncertain Significance. Advanced modeling of protein sequence and biophysical properties (such as structural, functional, and spatial information, amino acid conservation, physicochemical variation, residue mobility, and thermodynamic stability) performed at Invitae indicates that this missense variant is expected to disrupt KCNA2 protein function. This variant has not been reported in the literature in individuals with KCNA2-related conditions. This variant is not present in population databases (ExAC no frequency). This sequence change replaces histidine with proline at codon 310 of the KCNA2 protein (p.His310Pro). The histidine residue is highly conserved and there is a moderate physicochemical difference between histidine and proline.